The following is an entry in ClinVar:

ClinVar aggregate classification (germline): Likely benign. Review status: criteria provided, multiple submitters, no conflicts (2 of 4 stars). 4 submissions from 4 submitters: Likely benign (3). 1 of the submissions does not count toward it. Last evaluated 2024-09-03.

Conditions:
PCNT-related disorder. Also called: PCNT-related condition.
Microcephalic osteodysplastic primordial dwarfism type II (MOPD2). Also called: MOPD II; OSTEODYSPLASTIC PRIMORDIAL DWARFISM, TYPE II; Microcephalic osteodysplastic primordial dwarfism with tooth abnormalities. Identifiers: Orphanet 2637, MedGen C0432246, MONDO:0008872, OMIM 210720.

Allele frequency attached by ClinVar (database versions not stated): 1000 Genomes Project 30x 0.00016; 1000 Genomes Project 0.00020; TOPMed 0.00037; ExAC 0.00038; gnomAD exomes 0.00039.
gnomAD v4.1: 340 of 1,614,124 alleles (0.021%); highest among the groups gnomAD compares: East Asian, 0.6%; no homozygotes.

Submissions (4):

Labcorp Genetics (formerly Invitae), Labcorp
Classification: Likely benign. Last evaluated: 2024-09-03. Review status: criteria provided, single submitter. Criteria: Invitae Variant Classification Sherloc (09022015). Collection method: clinical testing. Allele origin: germline.

Illumina Laboratory Services, Illumina
Classification: Likely benign for Microcephalic osteodysplastic primordial dwarfism type II. Last evaluated: 2017-04-30. Review status: criteria provided, single submitter. Criteria: ICSL Variant Classification Criteria 13 December 2019. Collection method: clinical testing. Allele origin: germline.
Comment: This variant was observed as part of a predisposition screen in an ostensibly healthy population. A literature search was performed for the gene, cDNA change, and amino acid change (where applicable). No publications were found based on this search. Allele frequency data from public databases allowed determination this variant is unlikely to cause disease. Therefore, this variant is classified as likely benign.

Genetic Services Laboratory, University of Chicago
Classification: Likely benign. Last evaluated: 2016-03-03. Review status: criteria provided, single submitter. Criteria: ACMG Guidelines, 2015. Collection method: clinical testing. Allele origin: germline. Affected: no.

PreventionGenetics, part of Exact Sciences
Classification: Likely benign for PCNT-related condition. Last evaluated: 2023-06-12. Review status: no assertion criteria provided. Collection method: clinical testing. Allele origin: germline. Not counted in ClinVar's aggregate classification.
Comment: This variant is classified as likely benign based on ACMG/AMP sequence variant interpretation guidelines (Richards et al. 2015 PMID: 25741868, with internal and published modifications).

NM_006031.6(PCNT):c.2264T>G (p.Met755Arg)

Gene: PCNT (pericentrin; plus strand). Cytogenetic location: 21q22.3.
Variant type: single nucleotide variant.
Coding change: c.2264T>G on transcript NM_006031.6 (MANE Select); coding-DNA position 2264, T replaced by G.
Protein change: p.Met755Arg; replaces methionine 755 with arginine.
Molecular consequence: missense variant.
Genome position (GRCh38, 1-based): chr21:46,363,589, T>G. VCF-style: chr21-46363589-T-G. GRCh37 (hg19) VCF-style: chr21-47783504-T-G.
Other names: c.1910T>G, p.Met637Arg (NM_001315529.2); short protein forms M755R, M637R.
Identifiers: ClinVar variation 436184 (VCV000436184.18), dbSNP rs201827977, ClinGen allele CA10078937.